The following is an entry in ClinVar:

ClinVar aggregate classification (germline): Uncertain significance. Review status: criteria provided, multiple submitters, no conflicts (2 of 4 stars). 2 submissions from 2 submitters: Uncertain significance (2). Last evaluated 2025-08-10.

Conditions:
Inborn genetic diseases. Identifiers: MedGen C0950123, MeSH D030342.

Submissions (2):

Ambry Genetics
Classification: Uncertain significance for Inborn genetic diseases. Last evaluated: 2025-08-10. Review status: criteria provided, single submitter. Criteria: Ambry Variant Classification Scheme 2023. Collection method: clinical testing. Allele origin: germline.

Greenwood Genetic Center Diagnostic Laboratories, Greenwood Genetic Center
Classification: Uncertain significance. Last evaluated: 2024-07-25. Review status: criteria provided, single submitter. Criteria: ACMG Guidelines, 2015. Collection method: clinical testing. Allele origin: germline. Affected: yes.
Comment: PM2, BP4

NM_003394.4(WNT10B):c.718A>G (p.Thr240Ala)

Gene: WNT10B (Wnt family member 10B; minus strand). Cytogenetic location: 12q13.12.
Variant type: single nucleotide variant.
Coding change: c.718A>G on transcript NM_003394.4 (MANE Select); coding-DNA position 718, A replaced by G.
Protein change: p.Thr240Ala; replaces threonine 240 with alanine.
Molecular consequence: missense variant.
Genome position (GRCh38, 1-based): chr12:48,966,547, T>C on the plus strand (A>G on the coding strand, the complement: WNT10B is on the minus strand). VCF-style: chr12-48966547-T-C. GRCh37 (hg19) VCF-style: chr12-49360330-T-C.
Other names: c.718A>G (NM_003394.3); short protein forms T240A.
Identifiers: ClinVar variation 3765868 (VCV003765868.2).
Genomic context (GRCh38, chr12:48,966,547, plus strand): 5'-TCTTGAACTGGCAGCTGCCTGATGTGCCATGACACTTGCATTTCCGCTTCAGGTTTTCAG[T>C]TACCACCTAGAGCATCAGGGGGAAAAGAGGTGAAGCAGAGGGCAGCAAATGGACAGAACA-3'
Protein context (NP_003385.2, residues 230-250): HNNRVGRQVV[Thr240Ala]ENLKRKCKCH